The following is an entry in ClinVar:

NM_004333.6(BRAF):c.1452G>T (p.Met484Ile)

Gene: BRAF (B-Raf proto-oncogene, serine/threonine kinase; minus strand). Cytogenetic location: 7q34.
Variant type: single nucleotide variant.
Coding change: c.1452G>T on transcript NM_004333.6 (MANE Select); coding-DNA position 1452, G replaced by T.
Protein change: p.Met484Ile; replaces methionine 484 with isoleucine.
Molecular consequence: missense variant.
Genome position (GRCh38, 1-based): chr7:140,778,056, C>A on the plus strand (G>T on the coding strand, the complement: BRAF is on the minus strand). VCF-style: chr7-140778056-C-A. GRCh37 (hg19) VCF-style: chr7-140477856-C-A.
Other names: c.1452G>T, p.Met484Ile (NM_001354609.2, NM_001378468.1, NM_001378474.1); c.1572G>T, p.Met524Ile (NM_001374244.1, NM_001374258.1); c.1461G>T, p.Met487Ile (NM_001378467.1); c.1386G>T, p.Met462Ile (NM_001378469.1); c.1350G>T, p.Met450Ile (NM_001378470.1); c.1341G>T, p.Met447Ile (NM_001378471.1); c.1296G>T, p.Met432Ile (NM_001378472.1, NM_001378473.1); c.1188G>T, p.Met396Ile (NM_001378475.1); short protein forms M447I, M450I, M524I, M396I, M432I, M462I, M484I, M487I.
Identifiers: ClinVar variation 1351912 (VCV001351912.6), dbSNP rs759901913, ClinGen allele CA369588483.

ClinVar aggregate classification (germline): Uncertain significance (1 of 4 stars; one submission).

Conditions:
RASopathy. Also called: rasopathies; Noonan spectrum disorder. Identifiers: Orphanet 536391, MedGen C5555857, MONDO:0021060.

gnomAD v4.1: 1 of 1,613,376 alleles (0.000062%); highest among the groups gnomAD compares: East Asian, 0.0022%; no homozygotes.

Submission:

Labcorp Genetics (formerly Invitae), Labcorp
Classification: Uncertain significance for RASopathy. Last evaluated: 2021-11-27. Review status: criteria provided, single submitter. Criteria: Invitae Variant Classification Sherloc (09022015). Collection method: clinical testing. Allele origin: germline.
Comment: This sequence change replaces methionine, which is neutral and non-polar, with isoleucine, which is neutral and non-polar, at codon 484 of the BRAF protein (p.Met484Ile). This variant is not present in population databases (gnomAD no frequency). This variant has not been reported in the literature in individuals affected with BRAF-related conditions. Algorithms developed to predict the effect of missense changes on protein structure and function (SIFT, PolyPhen-2, Align-GVGD) all suggest that this variant is likely to be tolerated. In summary, the available evidence is currently insufficient to determine the role of this variant in disease. Therefore, it has been classified as a Variant of Uncertain Significance.